The following is an entry in ClinVar:

ClinVar aggregate classification (germline): Uncertain significance (1 of 4 stars; one submission).

Conditions:
Inborn genetic diseases. Identifiers: MedGen C0950123, MeSH D030342.

Submission:

Ambry Genetics
Classification: Uncertain significance for Inborn genetic diseases. Last evaluated: 2025-05-19. Review status: criteria provided, single submitter. Criteria: Ambry Variant Classification Scheme 2023. Collection method: clinical testing. Allele origin: germline.
Comment: The p.M207I variant (also known as c.621G>C), located in coding exon 5 of the G6PC3 gene, results from a G to C substitution at nucleotide position 621. The methionine at codon 207 is replaced by isoleucine, an amino acid with highly similar properties. This amino acid position is conserved. In addition, this alteration is predicted to be tolerated by in silico analysis. Based on the available evidence, the clinical significance of this variant remains unclear.

NM_138387.4(G6PC3):c.621G>C (p.Met207Ile)

Gene: G6PC3 (glucose-6-phosphatase catalytic subunit 3; plus strand). Cytogenetic location: 17q21.31.
Variant type: single nucleotide variant.
Coding change: c.621G>C on transcript NM_138387.4 (MANE Select); coding-DNA position 621, G replaced by C.
Protein change: p.Met207Ile; replaces methionine 207 with isoleucine.
Molecular consequence: missense variant.
Genome position (GRCh38, 1-based): chr17:44,075,395, G>C. VCF-style: chr17-44075395-G-C. GRCh37 (hg19) VCF-style: chr17-42152763-G-C.
Other names: c.502G>C, p.Ala168Pro (NM_001319945.2); c.276G>C, p.Met92Ile (NM_001384165.1, NM_001384166.1, NM_001384167.1 and 1 more transcripts); short protein forms M207I, M92I, A168P.
Identifiers: ClinVar variation 4027608 (VCV004027608.1).